The following is an entry in ClinVar:

NM_001321759.2(CDIN1):c.415C>G (p.Gln139Glu)

Gene: CDIN1 (CDAN1 interacting nuclease 1; plus strand). Cytogenetic location: 15q14.
Variant type: single nucleotide variant.
Coding change: c.415C>G on transcript NM_001321759.2 (MANE Select); coding-DNA position 415, C replaced by G.
Protein change: p.Gln139Glu; replaces glutamine 139 with glutamic acid.
Molecular consequence: missense variant.
Genome position (GRCh38, 1-based): chr15:36,691,753, C>G. VCF-style: chr15-36691753-C-G. GRCh37 (hg19) VCF-style: chr15-36983954-C-G.
Other names: c.415C>G, p.Gln139Glu (NM_001130010.3, NM_001290233.2, NM_001321760.2 and 1 more transcripts); c.121C>G, p.Gln41Glu (NM_001290232.2, NM_001321756.2, NM_032499.6); c.46C>G, p.Gln16Glu (NM_001321757.2); c.304C>G, p.Gln102Glu (NM_001321758.2); short protein forms Q102E, Q41E, Q139E, Q16E.
Identifiers: ClinVar variation 2700404 (VCV002700404.3), dbSNP rs1269105367, ClinGen allele CA391923639.

ClinVar aggregate classification (germline): Uncertain significance (1 of 4 stars; one submission).

Allele frequency attached by ClinVar (database versions not stated): TOPMed below 0.00001.

Submission:

Labcorp Genetics (formerly Invitae), Labcorp
Classification: Uncertain significance. Last evaluated: 2023-12-02. Review status: criteria provided, single submitter. Criteria: Invitae Variant Classification Sherloc (09022015). Collection method: clinical testing. Allele origin: germline.
Comment: This sequence change replaces glutamine, which is neutral and polar, with glutamic acid, which is acidic and polar, at codon 139 of the C15orf41 protein (p.Gln139Glu). This variant is not present in population databases (gnomAD no frequency). This missense change has been observed in individual(s) with congenital dyserythropoietic anemia (Invitae). Advanced modeling of protein sequence and biophysical properties (such as structural, functional, and spatial information, amino acid conservation, physicochemical variation, residue mobility, and thermodynamic stability) performed at Invitae indicates that this missense variant is not expected to disrupt C15orf41 protein function with a negative predictive value of 80%. In summary, the available evidence is currently insufficient to determine the role of this variant in disease. Therefore, it has been classified as a Variant of Uncertain Significance.